The following is an entry in ClinVar:

ClinVar aggregate classification (germline): Pathogenic (3 of 4 stars; one submission).

Conditions:
Breast-ovarian cancer, familial, susceptibility to, 2 (BROVCA2). Also called: BRCA2 Hereditary Breast and Ovarian Cancer. Identifiers: Orphanet 145, MedGen C2675520, MONDO:0012933, OMIM 612555. Disease mechanism: loss of function.

Submission:

Evidence-based Network for the Interpretation of Germline Mutant Alleles (ENIGMA)
Classification: Pathogenic for Breast-ovarian cancer, familial, susceptibility to, 2. Last evaluated: 2017-12-15. Review status: reviewed by expert panel. Criteria: ENIGMA BRCA1/2 Classification Criteria (2017-06-29). Collection method: curation. Allele origin: germline. Study: ENIGMA.
Comment: Variant allele predicted to encode a truncated non-functional protein.

NM_000059.4(BRCA2):c.7378_7379insG (p.Asn2460fs)

Gene: BRCA2 (BRCA2 DNA repair associated; plus strand). Cytogenetic location: 13q13.1.
Variant type: Insertion.
Coding change: c.7378_7379insG on transcript NM_000059.4 (MANE Select); coding-DNA positions 7378 to 7379, G inserted.
Protein change: p.Asn2460fs; shifts the reading frame from asparagine 2460.
Molecular consequence: frameshift variant.
Genome position: GRCh38 VCF-style: chr13-32355231-A-AG. GRCh37 (hg19) VCF-style: chr13-32929368-A-AG.
Other names: short protein forms N2460fs.
Identifiers: ClinVar variation 548354 (VCV000548354.1), dbSNP rs1555286097, ClinGen allele CA658823736.